The following is an entry in ClinVar:

NM_005215.4(DCC):c.2260G>A (p.Val754Met)

Gene: DCC (DCC netrin 1 receptor; plus strand). Cytogenetic location: 18q21.2.
Variant type: single nucleotide variant.
Coding change: c.2260G>A on transcript NM_005215.4 (MANE Select); coding-DNA position 2260, G replaced by A.
Protein change: p.Val754Met; replaces valine 754 with methionine.
Molecular consequence: missense variant.
Genome position (GRCh38, 1-based): chr18:53,339,808, G>A. VCF-style: chr18-53339808-G-A. GRCh37 (hg19) VCF-style: chr18-50866178-G-A.
Other names: short protein forms V754M.
Identifiers: ClinVar variation 375286 (VCV000375286.5), dbSNP rs775565634, ClinGen allele CA8967136.

ClinVar aggregate classification (germline): Uncertain significance. Review status: criteria provided, single submitter (1 of 4 stars). 3 submissions from 3 submitters: Uncertain significance (1). 2 of the submissions do not count toward it. Last evaluated 2023-10-13.

Conditions:
Corpus callosum, agenesis of. Also called: Agenesis of the corpus callosum; Isolated corpus callosum agenesis; Corpus callosum agenesis; Mental retardation hypoplastic corpus callosum preauricular tag; Da silva syndrome. Identifiers: Orphanet 200, MedGen C0175754, MONDO:0009022, OMIM 217990, HP:0001274.
Autism spectrum disorder. Also called: Autism spectrum disorders. Identifiers: MedGen C1510586, MeSH D000067877, MONDO:0005258.

Allele frequency attached by ClinVar (database versions not stated): gnomAD exomes 0.00004 and 0.00015; TOPMed 0.00005; gnomAD 0.00008 and 0.00009; ExAC 0.00016.
gnomAD v4.1: 75 of 1,613,878 alleles (0.0046%); highest among the groups gnomAD compares: East Asian, 0.14%; no homozygotes.

Submissions (3):

Women's Health and Genetics/Laboratory Corporation of America, LabCorp
Classification: Uncertain significance. Last evaluated: 2023-10-13. Review status: criteria provided, single submitter. Criteria: LabCorp Variant Classification Summary - May 2015. Collection method: clinical testing. Allele origin: germline.
Comment: Variant summary: DCC c.2260G>A (p.Val754Met) results in a conservative amino acid change located in the Fibronectin type III domain (IPR003961) of the encoded protein sequence. Four of five in-silico tools predict a benign effect of the variant on protein function. The variant allele was found at a frequency of 0.00015 in 251228 control chromosomes, predominantly at a frequency of 0.0019 within the East Asian subpopulation in the gnomAD database. c.2260G>A has been reported in the literature in at least one family with heterozygous siblings affected with agenesis of the corpus callosum (ACC), normal intellectual ability, minor motor difficulties without mirror movements, and a heterozygous father with unknown ACC phenotype who was otherwise asymptomatic, all without evidence of causality (e.g. Marsh_2017). The variant allele was also reported in individuals with male infertility including idiopathic hypogonadotropic hypogonadism (e.g. Sun_2022, Capalbo_2019). These report(s) do not provide unequivocal conclusions about association of the variant with Mirror Movements 1 or other DCC-related disorders. To our knowledge, no experimental evidence demonstrating an impact on protein function has been reported. The following publications have been ascertained in the context of this evaluation (PMID: 36123965, 28250454, 31589614, 35246524). Two submitters have cited clinical-significance assessments for this variant to ClinVar after 2014. All submitters classified the variant as pathogenic. Based on the evidence outlined above, the variant was classified as uncertain significance.

Gene Friend Way, National Innovation Center
Classification: Pathogenic for Autism spectrum disorder. Last evaluated: 2023-07-28. Review status: no assertion criteria provided. Collection method: clinical testing. Allele origin: unknown. Affected: yes. Observed: 3 variant alleles. Not counted in ClinVar's aggregate classification.
Comment: Carriers of this DCC Val754Met mutation in our study were diagnosed with ASD with ADHD symptoms. DCC genes play an important role in synaptic function and plasticity in the central nervous system (Keino-Masu et al. 1996), especially in the Corpus callosum. Haplotypes in DCC are associated with ASD susceptibility (Li et al., 2020).

Neurogenetics Research; Murdoch Childrens Research Institute
Classification: Pathogenic for Corpus callosum, agenesis of. Last evaluated: 2016-01-01. Review status: no assertion criteria provided. Collection method: research. Allele origin: germline. Affected: yes. Not counted in ClinVar's aggregate classification.
Comment: Mutations in DCC can cause either agenesis of the corpus callosum, mirror movements or both phenotypes

Literature cited by the submitters: PubMed 31589614 (cited by Women's Health and Genetics/Laboratory Corporation of America, LabCorp); PubMed 28250454 (cited by Women's Health and Genetics/Laboratory Corporation of America, LabCorp); PubMed 35246524 (cited by Women's Health and Genetics/Laboratory Corporation of America, LabCorp); PubMed 36123965 (cited by Women's Health and Genetics/Laboratory Corporation of America, LabCorp).